The following is an entry in ClinVar:

NM_002049.4(GATA1):c.419G>A (p.Arg140Gln)

Gene: GATA1 (GATA binding protein 1; plus strand). Cytogenetic location: Xp11.23.
Variant type: single nucleotide variant.
Coding change: c.419G>A on transcript NM_002049.4 (MANE Select); coding-DNA position 419, G replaced by A.
Protein change: p.Arg140Gln; replaces arginine 140 with glutamine.
Molecular consequence: missense variant.
Genome position (GRCh38, 1-based): chrX:48,792,042, G>A. VCF-style: chrX-48792042-G-A. GRCh37 (hg19) VCF-style: chrX-48650449-G-A.
Other names: short protein forms R140Q.
Identifiers: ClinVar variation 533694 (VCV000533694.12), dbSNP rs997764249, ClinGen allele CA329106652.

ClinVar aggregate classification (germline): Uncertain significance. Review status: criteria provided, multiple submitters, no conflicts (2 of 4 stars). 3 submissions from 3 submitters: Uncertain significance (3). Last evaluated 2025-01-06.

Conditions:
Diamond-Blackfan anemia. Also called: Blackfan Diamond syndrome; Aregenerative anemia chronic congenital; Red cell aplasia, pure hereditary; Congenital hypoplastic anemia; Aase syndrome. Identifiers: Orphanet 124, MedGen C1260899, MeSH D029503, MONDO:0015253, HP:0004810.
GATA binding protein 1 related thrombocytopenia with dyserythropoiesis. Also called: GATA1-Related X-Linked Cytopenia; GATA1-Related Cytopenia. Identifiers: MedGen C1845837, MONDO:0100089.
GATA1-related disorder. Also called: GATA1-related condition.
Beta-thalassemia-X-linked thrombocytopenia syndrome. Also called: THROMBOCYTOPENIA WITH BETA-THALASSEMIA, X-LINKED. Identifiers: Orphanet 231393, MedGen C1839161, MONDO:0010745, OMIM 314050.

Allele frequency attached by ClinVar (database versions not stated): gnomAD 0.00001 and 0.00002; gnomAD exomes 0.00001; TOPMed 0.00002.

Submissions (3):

PreventionGenetics, part of Exact Sciences
Classification: Uncertain significance for GATA1-related condition. Last evaluated: 2025-01-06. Review status: criteria provided, single submitter. Criteria: ACMG Guidelines, 2015. Collection method: clinical testing. Allele origin: germline.
Comment: The GATA1 c.419G>A variant is predicted to result in the amino acid substitution p.Arg140Gln. To our knowledge, this variant has not been reported in the literature. This variant is reported in 0.0012% of alleles in individuals of European (Non-Finnish) descent in gnomAD. At this time, the clinical significance of this variant is uncertain due to the absence of conclusive functional and genetic evidence.

Labcorp Genetics (formerly Invitae), Labcorp
Classification: Uncertain significance for GATA binding protein 1 related thrombocytopenia with dyserythropoiesis; Diamond-Blackfan anemia. Last evaluated: 2024-04-17. Review status: criteria provided, single submitter. Criteria: Invitae Variant Classification Sherloc (09022015). Collection method: clinical testing. Allele origin: germline.
Comment: This sequence change replaces arginine, which is basic and polar, with glutamine, which is neutral and polar, at codon 140 of the GATA1 protein (p.Arg140Gln). This variant is present in population databases (no rsID available, gnomAD 0.001%), including at least one homozygous and/or hemizygous individual. This variant has not been reported in the literature in individuals affected with GATA1-related conditions. ClinVar contains an entry for this variant (Variation ID: 533694). Advanced modeling of protein sequence and biophysical properties (such as structural, functional, and spatial information, amino acid conservation, physicochemical variation, residue mobility, and thermodynamic stability) performed at Invitae indicates that this missense variant is not expected to disrupt GATA1 protein function with a negative predictive value of 80%. In summary, the available evidence is currently insufficient to determine the role of this variant in disease. Therefore, it has been classified as a Variant of Uncertain Significance.

Baylor Genetics
Classification: Uncertain significance for Beta-thalassemia-X-linked thrombocytopenia syndrome. Last evaluated: 2019-02-22. Review status: criteria provided, single submitter. Criteria: ACMG Guidelines, 2015. Collection method: clinical testing. Allele origin: unknown. Affected: yes.
Comment: This variant was determined to be of uncertain significance according to ACMG Guidelines, 2015 [PMID:25741868].